The following is an entry in ClinVar:

NC_000002.11:g.(189898943_189899641)_(189901530_189903997)del

Gene: COL5A2 (collagen type V alpha 2 chain; minus strand). Cytogenetic location: 2q32.2.
Variant type: Deletion.
Identifiers: ClinVar variation 3374969 (VCV003374969.1).

ClinVar aggregate classification (germline): Uncertain significance (1 of 4 stars; one submission).

Submission:

Women's Health and Genetics/Laboratory Corporation of America, LabCorp
Classification: Uncertain significance. Last evaluated: 2024-09-09. Review status: criteria provided, single submitter. Criteria: LabCorp Variant Classification Summary - May 2015. Collection method: clinical testing. Allele origin: germline.
Comment: Variant summary: The variant involves the deletion of exons 52-53 in the COL5A2 gene. A presumed nomenclature of c.(3925+1_3926-1)_(4353+1_4354-1)del has been designated for the purposes of this classification. This Copy Number Variant (CNV) is expected to alter the reading frame downstream of the deleted region, however as it encompasses the penultimate exon, it is predicted to escape nonsense mediated decay (NMD). The variant was absent in 21694 control chromosomes in the gnomAD database (Structural Variants v2.1 dataset). To our knowledge, no occurrence of c.(3925+1_3926-1)_(4353+1_4354-1)del in individuals affected with Ehlers-Danlos Syndrome and no experimental evidence demonstrating its impact on protein function have been reported. However, a truncation variant in the last exon has been reported in an affected individual, indicating the functional importance of the disrupted protein region (PMID: 15580559). No submitters have cited clinical-significance assessments for this variant to ClinVar. Based on the evidence outlined above, the variant was classified as VUS-possibly pathogenic.